The following is an entry in ClinVar:

ClinVar aggregate classification (germline): Uncertain significance. Review status: criteria provided, multiple submitters, no conflicts (2 of 4 stars). 3 submissions from 3 submitters: Uncertain significance (3). Last evaluated 2025-08-11.

Conditions:
RYR1-related disorder. Also called: RYR1-related condition; RYR1-related disorders. Identifiers: MedGen CN239331.
Malignant hyperthermia, susceptibility to, 1 (MHS1). Also called: Anesthesia related hyperthermia; Malignant hyperpyrexia; Fulminating hyperpyrexia; Pharmacogenic myopathy; RYR1-Related Malignant Hyperthermia Susceptibility; Malignant hyperthermia suceptibility 1. Identifiers: Orphanet 423, MedGen C2930980, MONDO:0007783, OMIM 145600.

Allele frequency attached by ClinVar (database versions not stated): ExAC 0.00001; gnomAD 0.00001; gnomAD exomes 0.00001; TOPMed 0.00002.
gnomAD v4.1: 15 of 1,613,870 alleles (0.00093%); highest among the groups gnomAD compares: Admixed American, 0.0033%; no homozygotes.

Submissions (3):

Color Diagnostics, LLC DBA Color Health
Classification: Uncertain significance for Malignant hyperthermia, susceptibility to, 1. Last evaluated: 2025-08-11. Review status: criteria provided, single submitter. Criteria: ACMG Guidelines, 2015. Collection method: clinical testing. Allele origin: germline.
Comment: This missense variant replaces histidine with arginine at codon 1457 of the RYR1 protein. Computational prediction is inconclusive regarding the impact of this variant on protein structure and function. To our knowledge, functional studies have not been reported for this variant. This variant has not been reported in individuals affected with RYR1-related disorders in the literature. This variant has been identified in 4/251344 chromosomes in the general population by the Genome Aggregation Database (gnomAD). The available evidence is insufficient to determine the role of this variant in disease conclusively. Therefore, this variant is classified as a Variant of Uncertain Significance.

GeneDx
Classification: Uncertain significance. Last evaluated: 2025-02-27. Review status: criteria provided, single submitter. Criteria: GeneDx Variant Classification Process June 2021. Collection method: clinical testing. Allele origin: germline. Affected: yes.
Comment: Not observed at significant frequency in large population cohorts (gnomAD); In silico analysis supports that this missense variant has a deleterious effect on protein structure/function; Has not been previously published as pathogenic or benign to our knowledge

Labcorp Genetics (formerly Invitae), Labcorp
Classification: Uncertain significance for RYR1-related disorder. Last evaluated: 2023-07-07. Review status: criteria provided, single submitter. Criteria: Invitae Variant Classification Sherloc (09022015). Collection method: clinical testing. Allele origin: germline.
Comment: In summary, the available evidence is currently insufficient to determine the role of this variant in disease. Therefore, it has been classified as a Variant of Uncertain Significance. Advanced modeling of protein sequence and biophysical properties (such as structural, functional, and spatial information, amino acid conservation, physicochemical variation, residue mobility, and thermodynamic stability) has been performed at Invitae for this missense variant, however the output from this modeling did not meet the statistical confidence thresholds required to predict the impact of this variant on RYR1 protein function. ClinVar contains an entry for this variant (Variation ID: 2181839). This variant has not been reported in the literature in individuals affected with RYR1-related conditions. This variant is present in population databases (rs761541408, gnomAD 0.006%). This sequence change replaces histidine, which is basic and polar, with arginine, which is basic and polar, at codon 1457 of the RYR1 protein (p.His1457Arg).

NM_000540.3(RYR1):c.4370A>G (p.His1457Arg)

Gene: RYR1 (ryanodine receptor 1; plus strand). Cytogenetic location: 19q13.2.
Variant type: single nucleotide variant.
Coding change: c.4370A>G on transcript NM_000540.3 (MANE Select); coding-DNA position 4370, A replaced by G.
Protein change: p.His1457Arg; replaces histidine 1457 with arginine.
Molecular consequence: missense variant.
Genome position (GRCh38, 1-based): chr19:38,477,786, A>G. VCF-style: chr19-38477786-A-G. GRCh37 (hg19) VCF-style: chr19-38968426-A-G.
Other names: c.4370A>G, p.His1457Arg (NM_001042723.2); short protein forms H1457R.
Identifiers: ClinVar variation 2181839 (VCV002181839.4), dbSNP rs761541408, ClinGen allele CA065982.